The following is an entry in ClinVar:

NM_025114.4(CEP290):c.5953G>T (p.Glu1985Ter)

Gene: CEP290 (centrosomal protein 290; minus strand). Cytogenetic location: 12q21.32.
Variant type: single nucleotide variant.
Coding change: c.5953G>T on transcript NM_025114.4 (MANE Select); coding-DNA position 5953, G replaced by T.
Protein change: p.Glu1985Ter; replaces glutamic acid 1985 with a stop codon.
Molecular consequence: nonsense.
Genome position (GRCh38, 1-based): chr12:88,071,352, C>A on the plus strand (G>T on the coding strand, the complement: CEP290 is on the minus strand). VCF-style: chr12-88071352-C-A. GRCh37 (hg19) VCF-style: chr12-88465129-C-A.
Other names: short protein forms E1985*.
Identifiers: ClinVar variation 2174672 (VCV002174672.6), dbSNP rs1014354752, ClinGen allele CA241150553.

ClinVar aggregate classification (germline): Pathogenic. Review status: criteria provided, multiple submitters, no conflicts (2 of 4 stars). 3 submissions from 3 submitters: Pathogenic (3). Last evaluated 2026-02-17.

Conditions:
CEP290-related ciliopathy. Also called: CEP290 ciliopathy. Identifiers: MedGen CN305601, MONDO:0100451.
Meckel-Gruber syndrome. Also called: DYSENCEPHALIA SPLANCHNOCYSTICA; GRUBER SYNDROME; Dysencephalia splachnocystica. Identifiers: Orphanet 564, MedGen C0265215, MONDO:0018921.
Nephronophthisis. Also called: Juvenile Nephronophthisis. Identifiers: Orphanet 655, MedGen C0687120, MONDO:0019005, HP:0000090.
Joubert syndrome. Also called: JOUBERT-BOLTSHAUSER SYNDROME; Familial aplasia of the vermis. Identifiers: Orphanet 475, MedGen C5979921, MONDO:0018772.
CEP290-related disorder. Also called: CEP290-related condition; CEP290-related disorders. Identifiers: MedGen CN239314.

Allele frequency attached by ClinVar (database versions not stated): gnomAD exomes below 0.00001; TOPMed 0.00001.
gnomAD v4.1: 1 of 1,609,314 alleles (0.000062%); highest among the groups gnomAD compares: Non-Finnish European, 0.000085%; no homozygotes.

Submissions (3):

Myriad Genetics, Inc.
Classification: Pathogenic for CEP290-related ciliopathy. Last evaluated: 2026-02-17. Review status: criteria provided, single submitter. Criteria: Myriad Autosomal Dominant, Autosomal Recessive and X-Linked Classification Criteria (2023). Collection method: clinical testing. Allele origin: unknown.
Comment: NM_025114.3(CEP290):c.5953G>T(E1985*) is expected to be pathogenic in the context of CEP290-related disorders. This variant is predicted to lead to an abnormal or absent protein product due to the creation of a premature termination codon in CEP290, a gene where loss-of-function variants are known to be pathogenic. Please note: this variant was assessed in the context of healthy population screening.

Labcorp Genetics (formerly Invitae), Labcorp
Classification: Pathogenic for Joubert syndrome; Meckel-Gruber syndrome; Nephronophthisis. Last evaluated: 2025-10-30. Review status: criteria provided, single submitter. Criteria: Invitae Variant Classification Sherloc (09022015). Collection method: clinical testing. Allele origin: germline.
Comment: This sequence change creates a premature translational stop signal (p.Glu1985*) in the CEP290 gene. It is expected to result in an absent or disrupted protein product. Loss-of-function variants in CEP290 are known to be pathogenic (PMID: 16909394, 17345604, 20690115). This variant is not present in population databases (gnomAD no frequency). This premature translational stop signal has been observed in individual(s) with Joubert syndrome (PMID: 32600475). In at least one individual the data is consistent with being in trans (on the opposite chromosome) from a pathogenic variant. It has also been observed to segregate with disease in related individuals. ClinVar contains an entry for this variant (Variation ID: 2174672). Algorithms developed to predict the effect of sequence changes on RNA splicing suggest that this variant may disrupt the consensus splice site. For these reasons, this variant has been classified as Pathogenic.

PreventionGenetics, part of Exact Sciences
Classification: Pathogenic for CEP290-related condition. Last evaluated: 2022-12-29. Review status: criteria provided, single submitter. Criteria: ACMG Guidelines, 2015. Collection method: clinical testing. Allele origin: germline.
Comment: The CEP290 c.5953G>T variant is predicted to result in premature protein termination (p.Glu1985*). This variant was reported in the compound heterozygous state with another pathogenic variant in an individual with Joubert syndrome (Wang et al 2020. PubMed ID: 32600475). This variant has not been reported in a large population database, indicating this variant is rare. Nonsense variants in CEP290 are expected to be pathogenic. This variant is interpreted as pathogenic.

Literature cited by the submitters: PubMed 16909394 (cited by Labcorp Genetics (formerly Invitae), Labcorp); PubMed 17345604 (cited by Labcorp Genetics (formerly Invitae), Labcorp); PubMed 20690115 (cited by Labcorp Genetics (formerly Invitae), Labcorp); PubMed 32600475 (cited by Labcorp Genetics (formerly Invitae), Labcorp).